The following is an entry in ClinVar:

NM_183075.3(CYP2U1):c.671T>C (p.Ile224Thr)

Gene: CYP2U1 (cytochrome P450 family 2 subfamily U member 1; plus strand). Cytogenetic location: 4q25.
Variant type: single nucleotide variant.
Coding change: c.671T>C on transcript NM_183075.3 (MANE Select); coding-DNA position 671, T replaced by C.
Protein change: p.Ile224Thr; replaces isoleucine 224 with threonine.
Molecular consequence: missense variant.
Genome position (GRCh38, 1-based): chr4:107,945,150, T>C. VCF-style: chr4-107945150-T-C. GRCh37 (hg19) VCF-style: chr4-108866306-T-C.
Other names: short protein forms I224T.
Identifiers: ClinVar variation 1163252 (VCV001163252.15), dbSNP rs139692261, ClinGen allele CA3037039.

ClinVar aggregate classification (germline): Uncertain significance. Review status: criteria provided, multiple submitters, no conflicts (2 of 4 stars). 5 submissions from 5 submitters: Uncertain significance (5). Last evaluated 2024-11-13.

Conditions:
Spastic paraplegia. Identifiers: MedGen C0037772, HP:0001258.
Hereditary spastic paraplegia. Also called: Familial spastic paraparesis. Identifiers: Orphanet 685, MedGen C0037773, MONDO:0019064. Disease mechanism: loss of function.

Allele frequency attached by ClinVar (database versions not stated): ExAC 0.00006; gnomAD exomes 0.00006; gnomAD 0.00007; TOPMed 0.00007; ESP Exome Variant Server 0.00015.
gnomAD v4.1: 97 of 1,613,916 alleles (0.006%); highest among the groups gnomAD compares: Middle Eastern, 0.033%; no homozygotes.

Submissions (5):

Labcorp Genetics (formerly Invitae), Labcorp
Classification: Uncertain significance for Spastic paraplegia. Last evaluated: 2024-11-13. Review status: criteria provided, single submitter. Criteria: Invitae Variant Classification Sherloc (09022015). Collection method: clinical testing. Allele origin: germline.
Comment: This sequence change replaces isoleucine, which is neutral and non-polar, with threonine, which is neutral and polar, at codon 224 of the CYP2U1 protein (p.Ile224Thr). This variant is present in population databases (rs139692261, gnomAD 0.01%). This variant has not been reported in the literature in individuals affected with CYP2U1-related conditions. ClinVar contains an entry for this variant (Variation ID: 1163252). Invitae Evidence Modeling of protein sequence and biophysical properties (such as structural, functional, and spatial information, amino acid conservation, physicochemical variation, residue mobility, and thermodynamic stability) has been performed for this missense variant. However, the output from this modeling did not meet the statistical confidence thresholds required to predict the impact of this variant on CYP2U1 protein function. In summary, the available evidence is currently insufficient to determine the role of this variant in disease. Therefore, it has been classified as a Variant of Uncertain Significance.

Blueprint Genetics
Classification: Uncertain significance. Last evaluated: 2024-08-19. Review status: criteria provided, single submitter. Criteria: ACMG Guidelines, 2015. Collection method: clinical testing. Allele origin: germline.

Mayo Clinic Laboratories, Mayo Clinic
Classification: Uncertain significance. Last evaluated: 2020-06-03. Review status: criteria provided, single submitter. Criteria: ACMG Guidelines, 2015. Collection method: clinical testing. Allele origin: germline. Observed: 1 variant allele.

GeneDx
Classification: Uncertain significance. Last evaluated: 2019-06-27. Review status: criteria provided, single submitter. Criteria: GeneDx Variant Classification Process June 2021. Collection method: clinical testing. Allele origin: germline. Affected: yes.
Comment: Not observed at a significant frequency in large population cohorts (Lek et al., 2016); In silico analysis, which includes protein predictors and evolutionary conservation, supports a deleterious effect; Has not been previously published as pathogenic or benign to our knowledge

Genome Diagnostics Laboratory, The Hospital for Sick Children
Classification: Uncertain significance for Hereditary spastic paraplegia. Last evaluated: 2016-12-12. Review status: criteria provided, single submitter. Criteria: ACMG Guidelines, 2015. Collection method: clinical testing. Allele origin: germline. Affected: yes.